The following is an entry in ClinVar:

NM_001876.4(CPT1A):c.1435_1441del (p.Pro479fs)

Gene: CPT1A (carnitine palmitoyltransferase 1A; minus strand). Cytogenetic location: 11q13.3.
Variant type: Deletion.
Coding change: c.1435_1441del on transcript NM_001876.4 (MANE Select); coding-DNA positions 1435 to 1441, 7 bases deleted (CCGATCG; older notation c.1435_1441delCCGATCG).
Protein change: p.Pro479fs; shifts the reading frame from proline 479.
Molecular consequence: frameshift variant.
Genome position (GRCh38, 1-based): chr11:68,780,657-68,780,663, CGATCGG deleted on the plus strand (CCGATCG on the coding strand, the reverse complement: CPT1A is on the minus strand); deleting any 7 consecutive bases within chr11:68,780,657-68,780,665 gives the same sequence; the c. name uses the placement nearest the transcript's 3' end. VCF-style (leftmost placement, unchanged base first): chr11-68780656-ACGATCGG-A. GRCh37 (hg19) VCF-style: chr11-68548124-ACGATCGG-A.
Other names: c.1435_1441del, p.Pro479fs (NM_001031847.3); short protein forms P479fs.
Identifiers: ClinVar variation 2100194 (VCV002100194.4), dbSNP rs2495573677, ClinGen allele CA2580084732.

ClinVar aggregate classification (germline): Pathogenic (1 of 4 stars; one submission).

Conditions:
Carnitine palmitoyl transferase 1A deficiency. Also called: CPT I DEFICIENCY; CPT DEFICIENCY, HEPATIC, TYPE I; Carnitine palmitoyltransferase type I deficiency; CPT deficiency, hepatic, type IA; Carnitine palmitoyltransferase 1A deficiency. Identifiers: Orphanet 156, MedGen C1829703, MONDO:0009705, OMIM 255120.

Submission:

Labcorp Genetics (formerly Invitae), Labcorp
Classification: Pathogenic for Carnitine palmitoyl transferase 1A deficiency. Last evaluated: 2022-08-19. Review status: criteria provided, single submitter. Criteria: Invitae Variant Classification Sherloc (09022015). Collection method: clinical testing. Allele origin: germline.
Comment: This sequence change creates a premature translational stop signal (p.Pro479Trpfs*50) in the CPT1A gene. It is expected to result in an absent or disrupted protein product. Loss-of-function variants in CPT1A are known to be pathogenic (PMID: 16169268). This variant is not present in population databases (gnomAD no frequency). This variant has not been reported in the literature in individuals affected with CPT1A-related conditions. For these reasons, this variant has been classified as Pathogenic.

Literature cited by the submitters: PubMed 16169268.